The following is an entry in ClinVar:

ClinVar aggregate classification (germline): Uncertain significance (1 of 4 stars; one submission).

Conditions:
Zellweger spectrum disorders (ZS). Also called: Zellweger syndrome; Zellweger Spectrum Disorder; Zellweger Spectrum; Zellweger Spectrum Disorder (ZSD). Identifiers: Orphanet 912, MedGen C0043459, MONDO:0019609.

Allele frequency attached by ClinVar (database versions not stated): gnomAD exomes below 0.00001.
gnomAD v4.1: 1 of 1,614,118 alleles (0.000062%); highest among the groups gnomAD compares: East Asian, 0.0022%; no homozygotes.

Submission:

Labcorp Genetics (formerly Invitae), Labcorp
Classification: Uncertain significance for Zellweger spectrum disorders. Last evaluated: 2023-04-10. Review status: criteria provided, single submitter. Criteria: Invitae Variant Classification Sherloc (09022015). Collection method: clinical testing. Allele origin: germline.
Comment: In summary, the available evidence is currently insufficient to determine the role of this variant in disease. Therefore, it has been classified as a Variant of Uncertain Significance. Advanced modeling of protein sequence and biophysical properties (such as structural, functional, and spatial information, amino acid conservation, physicochemical variation, residue mobility, and thermodynamic stability) performed at Invitae indicates that this missense variant is not expected to disrupt PEX1 protein function. This variant has not been reported in the literature in individuals affected with PEX1-related conditions. This variant is not present in population databases (gnomAD no frequency). This sequence change replaces aspartic acid, which is acidic and polar, with valine, which is neutral and non-polar, at codon 323 of the PEX1 protein (p.Asp323Val).

NM_000466.3(PEX1):c.968A>T (p.Asp323Val)

Gene: PEX1 (peroxisomal biogenesis factor 1; minus strand). Cytogenetic location: 7q21.2.
Variant type: single nucleotide variant.
Coding change: c.968A>T on transcript NM_000466.3 (MANE Select); coding-DNA position 968, A replaced by T.
Protein change: p.Asp323Val; replaces aspartic acid 323 with valine.
Molecular consequence: missense variant.
Genome position (GRCh38, 1-based): chr7:92,517,547, T>A on the plus strand (A>T on the coding strand, the complement: PEX1 is on the minus strand). VCF-style: chr7-92517547-T-A. GRCh37 (hg19) VCF-style: chr7-92146861-T-A.
Other names: c.968A>T, p.Asp323Val (NM_001282677.2); c.344A>T, p.Asp115Val (NM_001282678.2); short protein forms D115V, D323V.
Identifiers: ClinVar variation 2854866 (VCV002854866.3), dbSNP rs1792851805, ClinGen allele CA368198738.